The following is an entry in ClinVar:

NM_001081.4(CUBN):c.6344A>G (p.Asn2115Ser)

Gene: CUBN (cubilin; minus strand). Cytogenetic location: 10p13.
Variant type: single nucleotide variant.
Coding change: c.6344A>G on transcript NM_001081.4 (MANE Select); coding-DNA position 6344, A replaced by G.
Protein change: p.Asn2115Ser; replaces asparagine 2115 with serine.
Molecular consequence: missense variant.
Genome position (GRCh38, 1-based): chr10:16,925,702, T>C on the plus strand (A>G on the coding strand, the complement: CUBN is on the minus strand). VCF-style: chr10-16925702-T-C. GRCh37 (hg19) VCF-style: chr10-16967701-T-C.
Other names: c.6344A>G (NM_001081.3); short protein forms N2115S.
Identifiers: ClinVar variation 1403722 (VCV001403722.9), dbSNP rs143835350, ClinGen allele CA5423706.

ClinVar aggregate classification (germline): Uncertain significance. Review status: criteria provided, multiple submitters, no conflicts (2 of 4 stars). 4 submissions from 4 submitters: Uncertain significance (4). Last evaluated 2025-10-06.

Conditions:
Proteinuria, chronic benign. Identifiers: MedGen C5394384, MONDO:0030042, OMIM 618884.
Imerslund-Grasbeck syndrome type 1 (IGS1). Also called: Megaloblastic anemia 1, Finnish type; Imerslund-Gräsbeck syndrome 1; MEGALOBLASTIC ANEMIA, 1. Identifiers: MedGen C4016819, MONDO:0100156, OMIM 261100.
Inborn genetic diseases. Identifiers: MedGen C0950123, MeSH D030342.
Imerslund-Grasbeck syndrome. Also called: ENTEROCYTE COBALAMIN MALABSORPTION; ENTEROCYTE INTRINSIC FACTOR RECEPTOR, DEFECT OF; PERNICIOUS ANEMIA, JUVENILE, DUE TO SELECTIVE INTESTINAL MALABSORPTION OF VITAMIN B12, WITH PROTEINURIA; Imerslund-Gräsbeck syndrome; Megaloblastic anemia due to inborn errors of metabolism. Identifiers: Orphanet 35858, MedGen C4551825, MONDO:0009853.

Allele frequency attached by ClinVar (database versions not stated): gnomAD exomes 0.00004 and 0.00010; ExAC 0.00011; gnomAD 0.00020 and 0.00021; TOPMed 0.00030; 1000 Genomes Project 30x 0.00031; 1000 Genomes Project 0.00040; ESP Exome Variant Server 0.00069.
gnomAD v4.1: 87 of 1,613,964 alleles (0.0054%); highest among the groups gnomAD compares: African/African-American, 0.081%; no homozygotes.

Submissions (4):

Labcorp Genetics (formerly Invitae), Labcorp
Classification: Uncertain significance for Imerslund-Grasbeck syndrome. Last evaluated: 2025-10-06. Review status: criteria provided, single submitter. Criteria: Invitae Variant Classification Sherloc (09022015). Collection method: clinical testing. Allele origin: germline.
Comment: This sequence change replaces asparagine, which is neutral and polar, with serine, which is neutral and polar, at codon 2115 of the CUBN protein (p.Asn2115Ser). This variant is present in population databases (rs143835350, gnomAD 0.1%). This variant has not been reported in the literature in individuals affected with CUBN-related conditions. ClinVar contains an entry for this variant (Variation ID: 1403722). Invitae Evidence Modeling of protein sequence and biophysical properties (such as structural, functional, and spatial information, amino acid conservation, physicochemical variation, residue mobility, and thermodynamic stability) indicates that this missense variant is not expected to disrupt CUBN protein function with a negative predictive value of 80%. In summary, the available evidence is currently insufficient to determine the role of this variant in disease. Therefore, it has been classified as a Variant of Uncertain Significance.

Fulgent Genetics
Classification: Uncertain significance for Imerslund-Grasbeck syndrome type 1; Proteinuria, chronic benign. Last evaluated: 2024-03-28. Review status: criteria provided, single submitter. Criteria: ACMG Guidelines, 2015. Collection method: clinical testing. Allele origin: germline.

Blueprint Genetics
Classification: Uncertain significance. Last evaluated: 2023-06-20. Review status: criteria provided, single submitter. Criteria: ACMG Guidelines, 2015. Collection method: clinical testing. Allele origin: germline.

Ambry Genetics
Classification: Uncertain significance for Inborn genetic diseases. Last evaluated: 2023-02-27. Review status: criteria provided, single submitter. Criteria: Ambry Variant Classification Scheme 2023. Collection method: clinical testing. Allele origin: germline.